The following is an entry in ClinVar:

NM_001009944.3(PKD1):c.315G>A (p.Thr105=)

Gene: PKD1 (polycystin 1, transient receptor potential channel interacting; minus strand). Cytogenetic location: 16p13.3.
Variant type: single nucleotide variant.
Coding change: c.315G>A on transcript NM_001009944.3 (MANE Select); coding-DNA position 315, G replaced by A.
Protein change: p.Thr105=; no amino-acid change (threonine 105 retained).
Molecular consequence: synonymous variant.
Genome position (GRCh38, 1-based): chr16:2,119,158, C>T on the plus strand (G>A on the coding strand, the complement: PKD1 is on the minus strand). VCF-style: chr16-2119158-C-T. GRCh37 (hg19) VCF-style: chr16-2169159-C-T.
Other names: c.315G>A, p.Thr105= (NM_000296.4).
Identifiers: ClinVar variation 3896627 (VCV003896627.9).
Genomic context (GRCh38, chr16:2,119,158, plus strand): 5'-AAGAACCACAACTTACATTTCACTTAAATTAAATAAATTAGCAAATATTCCTTCTTCTAA[C>T]GTAGAAATCTTGTTGTTGCTTATATCCCTGGAAGAGACGGGGGATTCGGCAAAGCTGATG-3'
Protein context (NP_001009944.3, residues 95-115): ELDISNNKIS[Thr105=]LEEGIFANLF

ClinVar aggregate classification (germline): Likely benign. Review status: criteria provided, multiple submitters, no conflicts (2 of 4 stars). 3 submissions from 3 submitters: Likely benign (3). Last evaluated 2025-11-01.

gnomAD v4.1: 53 of 1,509,176 alleles (0.0035%); highest among the groups gnomAD compares: South Asian, 0.055%; no homozygotes.

Submissions (3):

CeGaT Center for Human Genetics Tuebingen
Classification: Likely benign. Last evaluated: 2025-11-01. Review status: criteria provided, single submitter. Criteria: CeGaT Center For Human Genetics Tuebingen Variant Classification Criteria Version 2. Collection method: clinical testing. Allele origin: germline. Affected: yes. Observed: 1 variant allele.
Comment: PKD1: BP4, BP7

Women's Health and Genetics/Laboratory Corporation of America, LabCorp
Classification: Likely benign. Last evaluated: 2025-04-25. Review status: criteria provided, single submitter. Criteria: LabCorp Variant Classification Summary - May 2015. Collection method: clinical testing. Allele origin: germline.

Blueprint Genetics
Classification: Likely benign. Last evaluated: 2024-06-11. Review status: criteria provided, single submitter. Criteria: ACMG Guidelines, 2015. Collection method: clinical testing. Allele origin: germline.